The following is an entry in ClinVar:

ClinVar aggregate classification (germline): Benign. Review status: criteria provided, single submitter (1 of 4 stars). 2 submissions from 2 submitters: Benign (1). 1 of the submissions does not count toward it. Last evaluated 2024-03-03.

Conditions:
ZNF335-related disorder. Also called: ZNF335-related condition.

Allele frequency attached by ClinVar (database versions not stated): TOPMed 0.00008; gnomAD 0.00025; gnomAD exomes 0.00046; ExAC 0.00103; 1000 Genomes Project 30x 0.00125; 1000 Genomes Project 0.00140.
gnomAD v4.1: 704 of 1,614,058 alleles (0.044%); highest among the groups gnomAD compares: South Asian, 0.7%; 8 homozygotes.

Submissions (2):

Labcorp Genetics (formerly Invitae), Labcorp
Classification: Benign. Last evaluated: 2024-03-03. Review status: criteria provided, single submitter. Criteria: Invitae Variant Classification Sherloc (09022015). Collection method: clinical testing. Allele origin: germline.

PreventionGenetics, part of Exact Sciences
Classification: Likely benign for ZNF335-related condition. Last evaluated: 2019-06-11. Review status: no assertion criteria provided. Collection method: clinical testing. Allele origin: germline. Not counted in ClinVar's aggregate classification.
Comment: This variant is classified as likely benign based on ACMG/AMP sequence variant interpretation guidelines (Richards et al. 2015 PMID: 25741868, with internal and published modifications).

NM_022095.4(ZNF335):c.2572G>A (p.Glu858Lys)

Gene: ZNF335 (zinc finger protein 335; minus strand). Cytogenetic location: 20q13.12.
Variant type: single nucleotide variant.
Coding change: c.2572G>A on transcript NM_022095.4 (MANE Select); coding-DNA position 2572, G replaced by A.
Protein change: p.Glu858Lys; replaces glutamic acid 858 with lysine.
Molecular consequence: missense variant.
Genome position (GRCh38, 1-based): chr20:45,953,819, C>T on the plus strand (G>A on the coding strand, the complement: ZNF335 is on the minus strand). VCF-style: chr20-45953819-C-T. GRCh37 (hg19) VCF-style: chr20-44582458-C-T.
Other names: c.2572G>A (NM_022095.3); short protein forms E858K.
Identifiers: ClinVar variation 2181154 (VCV002181154.6), dbSNP rs545926833, ClinGen allele CA9885316.